The following is an entry in ClinVar:

NM_001018005.2(TPM1):c.241-13A>G

Gene: TPM1 (tropomyosin 1; plus strand). Cytogenetic location: 15q22.2.
Variant type: single nucleotide variant.
Coding change: c.241-13A>G on transcript NM_001018005.2 (MANE Select); 13 bases into the intron before coding-DNA position 241, A replaced by G.
Molecular consequence: intron variant.
Genome position (GRCh38, 1-based): chr15:63,056,972, A>G. VCF-style: chr15-63056972-A-G. GRCh37 (hg19) VCF-style: chr15-63349171-A-G.
Other names: c.367-13A>G (NM_001365778.1, NM_001407323.1, NM_001407322.1 and 1 more transcripts); c.241-13A>G (NM_001407336.1, NM_001018020.2, NM_001407338.1 and 20 more transcripts); c.133-13A>G (NM_001330351.2, NM_001330344.2, NM_001018008.2 and 9 more transcripts).
Identifiers: ClinVar variation 3069588 (VCV003069588.1), dbSNP rs773025909, ClinGen allele CA028768.

ClinVar aggregate classification (germline): Likely benign (1 of 4 stars; one submission).

Conditions:
Hypertrophic cardiomyopathy. Also called: HYPERTROPHIC MYOCARDIOPATHY. Identifiers: Orphanet 217569, MedGen C0007194, MeSH D002312, MONDO:0005045, HP:0001639.

Allele frequency attached by ClinVar (database versions not stated): gnomAD exomes below 0.00001; ExAC 0.00001.

Submission:

All of Us Research Program, National Institutes of Health
Classification: Likely benign for Hypertrophic cardiomyopathy. Last evaluated: 2023-02-24. Review status: criteria provided, single submitter. Criteria: ACMG Guidelines, 2015. Collection method: clinical testing. Allele origin: germline. Inheritance: Autosomal dominant inheritance. Observed: 1 variant allele, 1 heterozygote.
Comment: This study involves interpretation of variants in research participants for the purpose of population health screening. Participant phenotype was not available at the time of variant classification. Additional details can be found in publication PMID: 35346344, PMCID: PMC8962531